The following is an entry in ClinVar:

NM_014712.3(SETD1A):c.2571G>A (p.Glu857=)

Gene: SETD1A (SET domain containing 1A, histone lysine methyltransferase; plus strand). Cytogenetic location: 16p11.2.
Variant type: single nucleotide variant.
Coding change: c.2571G>A on transcript NM_014712.3 (MANE Select); coding-DNA position 2571, G replaced by A.
Protein change: p.Glu857=; no amino-acid change (glutamic acid 857 retained).
Molecular consequence: synonymous variant.
Genome position (GRCh38, 1-based): chr16:30,966,949, G>A. VCF-style: chr16-30966949-G-A. GRCh37 (hg19) VCF-style: chr16-30978270-G-A.
Identifiers: ClinVar variation 3049718 (VCV003049718.2), dbSNP rs142914701, ClinGen allele CA8016960.

ClinVar aggregate classification (germline): Likely benign (0 of 4 stars; one submission).

Conditions:
SETD1A-related disorder. Also called: SETD1A-related condition.

Allele frequency attached by ClinVar (database versions not stated): gnomAD 0.00009; TOPMed 0.00014; 1000 Genomes Project 0.00020; ExAC 0.00020; 1000 Genomes Project 30x 0.00031; ESP Exome Variant Server 0.00039.
gnomAD v4.1: 29 of 1,582,180 alleles (0.0018%); highest among the groups gnomAD compares: Middle Eastern, 0.033%; no homozygotes.

Submission:

PreventionGenetics, part of Exact Sciences
Classification: Likely benign for SETD1A-related condition. Last evaluated: 2019-07-11. Review status: no assertion criteria provided. Collection method: clinical testing. Allele origin: germline.
Comment: This variant is classified as likely benign based on ACMG/AMP sequence variant interpretation guidelines (Richards et al. 2015 PMID: 25741868, with internal and published modifications).